The following is an entry in ClinVar:

NM_032043.3(BRIP1):c.3185C>A (p.Thr1062Lys)

Gene: BRIP1 (BRCA1 interacting DNA helicase 1; minus strand). Cytogenetic location: 17q23.2.
Variant type: single nucleotide variant.
Coding change: c.3185C>A on transcript NM_032043.3 (MANE Select); coding-DNA position 3185, C replaced by A.
Protein change: p.Thr1062Lys; replaces threonine 1062 with lysine.
Molecular consequence: missense variant.
Genome position (GRCh38, 1-based): chr17:61,683,861, G>T on the plus strand (C>A on the coding strand, the complement: BRIP1 is on the minus strand). VCF-style: chr17-61683861-G-T. GRCh37 (hg19) VCF-style: chr17-59761222-G-T.
Other names: short protein forms T1062K.
Identifiers: ClinVar variation 2774984 (VCV002774984.2), dbSNP rs770517912, ClinGen allele CA400479394.

ClinVar aggregate classification (germline): Uncertain significance (1 of 4 stars; one submission).

Conditions:
Hereditary cancer-predisposing syndrome. Also called: Neoplastic Syndromes, Hereditary; Tumor predisposition; Hereditary Cancer Syndrome; Hereditary neoplastic syndrome. Identifiers: Orphanet 140162, MedGen C0027672, MeSH D009386, MONDO:0015356.

Submission:

Color Diagnostics, LLC DBA Color Health
Classification: Uncertain significance for Hereditary cancer-predisposing syndrome. Last evaluated: 2022-11-21. Review status: criteria provided, single submitter. Criteria: ACMG Guidelines, 2015. Collection method: clinical testing. Allele origin: germline.
Comment: This missense variant replaces threonine with lysine at codon 1062 of the BRIP1 protein. Computational prediction suggests that this variant may not impact protein structure and function (internally defined REVEL score threshold <= 0.5, PMID: 27666373). To our knowledge, functional studies have not been reported for this variant. This variant has not been reported in individuals affected with BRIP1-related disorders in the literature. This variant has not been identified in the general population by the Genome Aggregation Database (gnomAD). The available evidence is insufficient to determine the role of this variant in disease conclusively. Therefore, this variant is classified as a Variant of Uncertain Significance.